The following is an entry in ClinVar:

ClinVar aggregate classification (germline): Uncertain significance (1 of 4 stars; one submission).

Allele frequency attached by ClinVar (database versions not stated): gnomAD 0.00003 and 0.00004.
gnomAD v4.1: 9 of 1,613,074 alleles (0.00056%); highest among the groups gnomAD compares: African/African-American, 0.008%; no homozygotes.

Submission:

Labcorp Genetics (formerly Invitae), Labcorp
Classification: Uncertain significance. Last evaluated: 2024-02-12. Review status: criteria provided, single submitter. Criteria: Invitae Variant Classification Sherloc (09022015). Collection method: clinical testing. Allele origin: germline.
Comment: This sequence change replaces serine, which is neutral and polar, with arginine, which is basic and polar, at codon 1103 of the ARHGEF18 protein (p.Ser1103Arg). This variant is present in population databases (rs766134775, gnomAD 0.01%). This variant has not been reported in the literature in individuals affected with ARHGEF18-related conditions. ClinVar contains an entry for this variant (Variation ID: 1372225). An algorithm developed to predict the effect of missense changes on protein structure and function (PolyPhen-2) suggests that this variant is likely to be disruptive. In summary, the available evidence is currently insufficient to determine the role of this variant in disease. Therefore, it has been classified as a Variant of Uncertain Significance.

NM_001367823.1(ARHGEF18):c.3873C>A (p.Ser1291Arg)

Gene: ARHGEF18 (Rho/Rac guanine nucleotide exchange factor 18; plus strand). Cytogenetic location: 19p13.2.
Variant type: single nucleotide variant.
Coding change: c.3873C>A on transcript NM_001367823.1 (MANE Select); coding-DNA position 3873, C replaced by A.
Protein change: p.Ser1291Arg; replaces serine 1291 with arginine.
Molecular consequence: missense variant.
Genome position (GRCh38, 1-based): chr19:7,469,989, C>A. VCF-style: chr19-7469989-C-A. GRCh37 (hg19) VCF-style: chr19-7534875-C-A.
Other names: c.3147C>A, p.Ser1049Arg (NM_001130955.2); c.2835C>A, p.Ser945Arg (NM_001367824.1, NM_015318.4); short protein forms S1049R, S1291R, S945R.
Identifiers: ClinVar variation 1372225 (VCV001372225.6), dbSNP rs766134775, ClinGen allele CA9137272.